The following is an entry in ClinVar:

NM_001927.4(DES):c.1409T>C (p.Leu470Pro)

Gene: DES (desmin; plus strand). Cytogenetic location: 2q35.
Variant type: single nucleotide variant.
Coding change: c.1409T>C on transcript NM_001927.4 (MANE Select); coding-DNA position 1409, T replaced by C.
Protein change: p.Leu470Pro; replaces leucine 470 with proline.
Molecular consequence: missense variant. On other transcripts: intron variant (1).
Genome position (GRCh38, 1-based): chr2:219,425,986, T>C. VCF-style: chr2-219425986-T-C. GRCh37 (hg19) VCF-style: chr2-220290708-T-C.
Other names: c.1406T>C, p.Leu469Pro (NM_001382708.1); c.977T>C, p.Leu326Pro (NM_001382709.1); c.1340T>C, p.Leu447Pro (NM_001382710.1); c.1388T>C, p.Leu463Pro (NM_001382711.1); c.1139T>C, p.Leu380Pro (NM_001382713.1); c.1371+241T>C (NM_001382712.1); short protein forms L380P, L447P, L470P, L463P, L326P, L469P.
Identifiers: ClinVar variation 949378 (VCV000949378.10), dbSNP rs1954528633, ClinGen allele CA350699256.

ClinVar aggregate classification (germline): Uncertain significance (1 of 4 stars; one submission).

Conditions:
Desmin-related myofibrillar myopathy (MFM1). Also called: Desminopathy; Desmin related myopathy (former name); Desmin storage myopathy (former name); Myofibrillar myopathy 1; MYOFIBRILLAR MYOPATHY WITH ARRHYTHMOGENIC RIGHT VENTRICULAR CARDIOMYOPATHY; DESMIN-RELATED MYOPATHY WITH ARRHYTHMOGENIC RIGHT VENTRICULAR CARDIOMYOPATHY. Identifiers: Orphanet 363543, Orphanet 98909, MedGen C1832370, MONDO:0011076, OMIM 601419.

Submission:

Labcorp Genetics (formerly Invitae), Labcorp
Classification: Uncertain significance for Desmin-related myofibrillar myopathy. Last evaluated: 2019-05-16. Review status: criteria provided, single submitter. Criteria: Invitae Variant Classification Sherloc (09022015). Collection method: clinical testing. Allele origin: germline.
Comment: This variant is not present in population databases (ExAC no frequency). This sequence change replaces leucine with proline at codon 470 of the DES protein (p.Leu470Pro). The leucine residue is moderately conserved and there is a moderate physicochemical difference between leucine and proline. In summary, the available evidence is currently insufficient to determine the role of this variant in disease. Therefore, it has been classified as a Variant of Uncertain Significance. Algorithms developed to predict the effect of missense changes on protein structure and function are either unavailable or do not agree on the potential impact of this missense change (SIFT: "Deleterious"; PolyPhen-2: "Possibly Damaging"; Align-GVGD: "Class C0"). This variant has not been reported in the literature in individuals with DES-related conditions.